The following is an entry in ClinVar:

ClinVar aggregate classification (germline): Uncertain significance (1 of 4 stars; one submission).

Conditions:
SET-related disorder. Also called: SET-related condition.

Submission:

PreventionGenetics, part of Exact Sciences
Classification: Uncertain significance for SET-related condition. Last evaluated: 2025-11-20. Review status: criteria provided, single submitter. Criteria: ACMG Guidelines, 2015. Collection method: clinical testing. Allele origin: germline.
Comment: The SET c.476A>G variant is predicted to result in the amino acid substitution p.Asn159Ser. To our knowledge, this variant has not been reported in the literature or in a large population database (gnomAD), indicating this variant is rare. At this time, the clinical significance of this variant is uncertain due to the absence of conclusive functional and genetic evidence.

NM_003011.4(SET):c.437A>G (p.Asn146Ser)

Gene: SET (SET nuclear proto-oncogene; plus strand). Cytogenetic location: 9q34.11.
Variant type: single nucleotide variant.
Coding change: c.437A>G on transcript NM_003011.4 (MANE Select); coding-DNA position 437, A replaced by G.
Protein change: p.Asn146Ser; replaces asparagine 146 with serine.
Molecular consequence: missense variant.
Genome position (GRCh38, 1-based): chr9:128,692,926, A>G. VCF-style: chr9-128692926-A-G. GRCh37 (hg19) VCF-style: chr9-131455205-A-G.
Other names: c.476A>G, p.Asn159Ser (NM_001122821.2, NM_001374326.1); c.410A>G, p.Asn137Ser (NM_001248000.2); c.404A>G, p.Asn135Ser (NM_001248001.2); short protein forms N159S, N137S, N146S, N135S.
Identifiers: ClinVar variation 4985082 (VCV004985082.1).